The following is an entry in ClinVar:

ClinVar aggregate classification (germline): Uncertain significance (1 of 4 stars; one submission).

Allele frequency attached by ClinVar (database versions not stated): TOPMed 0.00001.
gnomAD v4.1: 3 of 1,612,214 alleles (0.00019%); highest among the groups gnomAD compares: Non-Finnish European, 0.00017%; no homozygotes.

Submission:

Labcorp Genetics (formerly Invitae), Labcorp
Classification: Uncertain significance. Last evaluated: 2025-11-03. Review status: criteria provided, single submitter. Criteria: Invitae Variant Classification Sherloc (09022015). Collection method: clinical testing. Allele origin: germline.
Comment: This sequence change replaces serine, which is neutral and polar, with tyrosine, which is neutral and polar, at codon 110 of the ATP5D protein (p.Ser110Tyr). This variant is not present in population databases (gnomAD no frequency). This variant has not been reported in the literature in individuals affected with ATP5D-related conditions. ClinVar contains an entry for this variant (Variation ID: 1959186). An algorithm developed to predict the effect of missense changes on protein structure and function (PolyPhen-2) suggests that this variant is likely to be disruptive. In summary, the available evidence is currently insufficient to determine the role of this variant in disease. Therefore, it has been classified as a Variant of Uncertain Significance.

NM_001687.5(ATP5F1D):c.329C>A (p.Ser110Tyr)

Gene: ATP5F1D (ATP synthase F1 subunit delta; plus strand). Cytogenetic location: 19p13.3.
Variant type: single nucleotide variant.
Coding change: c.329C>A on transcript NM_001687.5 (MANE Select); coding-DNA position 329, C replaced by A.
Protein change: p.Ser110Tyr; replaces serine 110 with tyrosine.
Molecular consequence: missense variant.
Genome position (GRCh38, 1-based): chr19:1,244,130, C>A. VCF-style: chr19-1244130-C-A. GRCh37 (hg19) VCF-style: chr19-1244129-C-A.
Other names: c.329C>A, p.Ser110Tyr (NM_001001975.2); short protein forms S110Y.
Identifiers: ClinVar variation 1959186 (VCV001959186.5), dbSNP rs1339635093, ClinGen allele CA402981201.